The following is an entry in ClinVar:

ClinVar aggregate classification (germline): Uncertain significance (1 of 4 stars; one submission).

Conditions:
Hyper-IgE recurrent infection syndrome 3, autosomal recessive. Also called: Autosomal recessive hyper-IgE syndrome due to ZNF341 deficiency; HYPER-IgE SYNDROME 3, AUTOSOMAL RECESSIVE, WITH RECURRENT INFECTIONS. Identifiers: Orphanet 641368, MedGen C4748969, MONDO:0032654, OMIM 618282.

Allele frequency attached by ClinVar (database versions not stated): gnomAD 0.00001; TOPMed 0.00001.

Submission:

Labcorp Genetics (formerly Invitae), Labcorp
Classification: Uncertain significance for Combined immunodeficiency due to DOCK8 deficiency. Last evaluated: 2023-05-08. Review status: criteria provided, single submitter. Criteria: Invitae Variant Classification Sherloc (09022015). Collection method: clinical testing. Allele origin: germline.
Comment: In summary, the available evidence is currently insufficient to determine the role of this variant in disease. Therefore, it has been classified as a Variant of Uncertain Significance. Advanced modeling of protein sequence and biophysical properties (such as structural, functional, and spatial information, amino acid conservation, physicochemical variation, residue mobility, and thermodynamic stability) performed at Invitae indicates that this missense variant is not expected to disrupt DOCK8 protein function. ClinVar contains an entry for this variant (Variation ID: 1442752). This variant has not been reported in the literature in individuals affected with DOCK8-related conditions. This variant is not present in population databases (gnomAD no frequency). This sequence change replaces lysine, which is basic and polar, with asparagine, which is neutral and polar, at codon 634 of the DOCK8 protein (p.Lys634Asn).

NM_203447.4(DOCK8):c.1902G>T (p.Lys634Asn)

Gene: DOCK8 (dedicator of cytokinesis 8; plus strand). Cytogenetic location: 9p24.3.
Variant type: single nucleotide variant.
Coding change: c.1902G>T on transcript NM_203447.4 (MANE Select); coding-DNA position 1902, G replaced by T.
Protein change: p.Lys634Asn; replaces lysine 634 with asparagine.
Molecular consequence: missense variant.
Genome position (GRCh38, 1-based): chr9:371,461, G>T. VCF-style: chr9-371461-G-T. GRCh37 (hg19) VCF-style: chr9-371461-G-T.
Other names: c.1698G>T, p.Lys566Asn (NM_001190458.2, NM_001193536.2); short protein forms K566N, K634N.
Identifiers: ClinVar variation 1442752 (VCV001442752.6), dbSNP rs1300561554, ClinGen allele CA372761416.